The following is an entry in ClinVar:

ClinVar aggregate classification (germline): Uncertain significance (1 of 4 stars; one submission).

Conditions:
Granulomatous disease, chronic, autosomal recessive, cytochrome b-negative. Also called: CGD DUE TO DEFICIENCY OF THE ALPHA SUBUNIT OF CYTOCHROME b; CGD, AUTOSOMAL RECESSIVE CYTOCHROME b-NEGATIVE; CYBA DEFICIENCY; GRANULOMATOUS DISEASE, CHRONIC, AUTOSOMAL RECESSIVE, 4; Chronic granulomatous disease, autosomal, due to deficiency of CYBA. Identifiers: Orphanet 379, MedGen C1856255, MONDO:0009308, OMIM 233690.

gnomAD v4.1: 3 of 1,535,132 alleles (0.0002%); highest among the groups gnomAD compares: Non-Finnish European, 0.00026%; no homozygotes.

Submission:

Labcorp Genetics (formerly Invitae), Labcorp
Classification: Uncertain significance for Granulomatous disease, chronic, autosomal recessive, cytochrome b-negative. Last evaluated: 2021-10-25. Review status: criteria provided, single submitter. Criteria: Invitae Variant Classification Sherloc (09022015). Collection method: clinical testing. Allele origin: germline.
Comment: This sequence change replaces arginine with glycine at codon 139 of the CYBA protein (p.Arg139Gly). The arginine residue is weakly conserved and there is a moderate physicochemical difference between arginine and glycine. The frequency data for this variant in the population databases is considered unreliable, as metrics indicate insufficient coverage at this position in the ExAC database. This variant has not been reported in the literature in individuals with CYBA-related conditions. Algorithms developed to predict the effect of missense changes on protein structure and function are either unavailable or do not agree on the potential impact of this missense change (SIFT: "Deleterious"; PolyPhen-2: "Benign"; Align-GVGD: "Class C0"). In summary, the available evidence is currently insufficient to determine the role of this variant in disease. Therefore, it has been classified as a Variant of Uncertain Significance.

NM_000101.4(CYBA):c.415C>G (p.Arg139Gly)

Gene: CYBA (cytochrome b-245 alpha chain; minus strand). Cytogenetic location: 16q24.2.
Variant type: single nucleotide variant.
Coding change: c.415C>G on transcript NM_000101.4 (MANE Select); coding-DNA position 415, C replaced by G.
Protein change: p.Arg139Gly; replaces arginine 139 with glycine.
Molecular consequence: missense variant.
Genome position (GRCh38, 1-based): chr16:88,643,526, G>C on the plus strand (C>G on the coding strand, the complement: CYBA is on the minus strand). VCF-style: chr16-88643526-G-C. GRCh37 (hg19) VCF-style: chr16-88709934-G-C.
Other names: short protein forms R139G.
Identifiers: ClinVar variation 1488226 (VCV001488226.3), dbSNP rs972548169, ClinGen allele CA397057662.